The following is an entry in ClinVar:

ClinVar aggregate classification (germline): Uncertain significance. Review status: criteria provided, multiple submitters, no conflicts (2 of 4 stars). 2 submissions from 2 submitters: Uncertain significance (2). Last evaluated 2025-08-20.

Conditions:
Inborn genetic diseases. Identifiers: MedGen C0950123, MeSH D030342.

gnomAD v4.1: 4 of 1,613,374 alleles (0.00025%); highest among the groups gnomAD compares: Admixed American, 0.005%; no homozygotes.

Submissions (2):

Labcorp Genetics (formerly Invitae), Labcorp
Classification: Uncertain significance. Last evaluated: 2025-08-20. Review status: criteria provided, single submitter. Criteria: Invitae Variant Classification Sherloc (09022015). Collection method: clinical testing. Allele origin: germline.
Comment: This sequence change replaces aspartic acid, which is acidic and polar, with asparagine, which is neutral and polar, at codon 358 of the LRP6 protein (p.Asp358Asn). This variant is present in population databases (rs749486941, gnomAD 0.006%). This variant has not been reported in the literature in individuals affected with LRP6-related conditions. ClinVar contains an entry for this variant (Variation ID: 4048774). Invitae Evidence Modeling of protein sequence and biophysical properties (such as structural, functional, and spatial information, amino acid conservation, physicochemical variation, residue mobility, and thermodynamic stability) indicates that this missense variant is not expected to disrupt LRP6 protein function with a negative predictive value of 80%. In summary, the available evidence is currently insufficient to determine the role of this variant in disease. Therefore, it has been classified as a Variant of Uncertain Significance.

Ambry Genetics
Classification: Uncertain significance for Inborn genetic diseases. Last evaluated: 2025-06-09. Review status: criteria provided, single submitter. Criteria: Ambry Variant Classification Scheme 2023. Collection method: clinical testing. Allele origin: germline.

NM_002336.3(LRP6):c.1072G>A (p.Asp358Asn)

Gene: LRP6 (LDL receptor related protein 6; minus strand). Cytogenetic location: 12p13.2.
Variant type: single nucleotide variant.
Coding change: c.1072G>A on transcript NM_002336.3 (MANE Select); coding-DNA position 1072, G replaced by A.
Protein change: p.Asp358Asn; replaces aspartic acid 358 with asparagine.
Molecular consequence: missense variant. On other transcripts: non-coding transcript variant (1).
Genome position (GRCh38, 1-based): chr12:12,181,344, C>T on the plus strand (G>A on the coding strand, the complement: LRP6 is on the minus strand). VCF-style: chr12-12181344-C-T. GRCh37 (hg19) VCF-style: chr12-12334278-C-T.
Other names: c.1072G>A, p.Asp358Asn (NM_001414244.1, NM_001414245.1, NM_001414246.1 and 5 more transcripts); c.874G>A, p.Asp292Asn (NM_001414247.1); c.619G>A, p.Asp207Asn (NM_001414252.1, NM_001414253.1, NM_001414254.1); short protein forms D207N, D358N, D292N.
Identifiers: ClinVar variation 4048774 (VCV004048774.2).